The following is an entry in ClinVar:

ClinVar aggregate classification (germline): Uncertain significance (1 of 4 stars; one submission).

Conditions:
Shprintzen-Goldberg syndrome (SGS). Also called: Marfanoid disorder with craniosynostosis type 1; Marfanoid craniosynostosis syndrome; Shprintzen-Goldberg marfanoid syndrome; SHPRINTZEN-GOLDBERG CRANIOSYNOSTOSIS SYNDROME; CRANIOSYNOSTOSIS WITH ARACHNODACTYLY AND ABDOMINAL HERNIAS. Identifiers: Orphanet 2462, MedGen C1321551, MONDO:0008426, OMIM 182212.

Submission:

Labcorp Genetics (formerly Invitae), Labcorp
Classification: Uncertain significance for Shprintzen-Goldberg syndrome. Last evaluated: 2025-02-27. Review status: criteria provided, single submitter. Criteria: Invitae Variant Classification Sherloc (09022015). Collection method: clinical testing. Allele origin: germline.
Comment: This sequence change replaces valine, which is neutral and non-polar, with methionine, which is neutral and non-polar, at codon 60 of the SKI protein (p.Val60Met). This variant is not present in population databases (gnomAD no frequency). This variant has not been reported in the literature in individuals affected with SKI-related conditions. Invitae Evidence Modeling of protein sequence and biophysical properties (such as structural, functional, and spatial information, amino acid conservation, physicochemical variation, residue mobility, and thermodynamic stability) indicates that this missense variant is not expected to disrupt SKI protein function with a negative predictive value of 95%. In summary, the available evidence is currently insufficient to determine the role of this variant in disease. Therefore, it has been classified as a Variant of Uncertain Significance.

NM_003036.4(SKI):c.178G>A (p.Val60Met)

Gene: SKI (SKI proto-oncogene; plus strand). Cytogenetic location: 1p36.33.
Variant type: single nucleotide variant.
Coding change: c.178G>A on transcript NM_003036.4 (MANE Select); coding-DNA position 178, G replaced by A.
Protein change: p.Val60Met; replaces valine 60 with methionine.
Molecular consequence: missense variant.
Genome position (GRCh38, 1-based): chr1:2,228,944, G>A. VCF-style: chr1-2228944-G-A. GRCh37 (hg19) VCF-style: chr1-2160383-G-A.
Other names: short protein forms V60M.
Identifiers: ClinVar variation 3699086 (VCV003699086.2).